The following is an entry in ClinVar:

NM_017866.6(TMEM70):c.298A>G (p.Met100Val)

Gene: TMEM70 (transmembrane protein 70; plus strand). Cytogenetic location: 8q21.11.
Variant type: single nucleotide variant.
Coding change: c.298A>G on transcript NM_017866.6 (MANE Select); coding-DNA position 298, A replaced by G.
Protein change: p.Met100Val; replaces methionine 100 with valine.
Molecular consequence: missense variant. On other transcripts: non-coding transcript variant (1).
Genome position (GRCh38, 1-based): chr8:73,978,843, A>G. VCF-style: chr8-73978843-A-G. GRCh37 (hg19) VCF-style: chr8-74891078-A-G.
Other names: c.298A>G, p.Met100Val (NM_001040613.3); short protein forms M100V.
Identifiers: ClinVar variation 1493358 (VCV001493358.6), dbSNP rs942928255, ClinGen allele CA179291379.

ClinVar aggregate classification (germline): Uncertain significance (1 of 4 stars; one submission).

Conditions:
Mitochondrial complex V (ATP synthase) deficiency, nuclear type 2. Also called: Nuclear-Encoded ATPase Deficiency, TMEM70-Related; ENCEPHALOCARDIOMYOPATHY, MITOCHONDRIAL, NEONATAL, DUE TO ATP SYNTHASE DEFICIENCY; MITOCHONDRIAL COMPLEX V (ATP SYNTHASE) DEFICIENCY, TMEM70 TYPE. Identifiers: Orphanet 1194, MedGen C3279699, MONDO:0013546, OMIM 614052.

Allele frequency attached by ClinVar (database versions not stated): gnomAD exomes below 0.00001 and 0.00001; gnomAD 0.00001; TOPMed 0.00001.

Submission:

Labcorp Genetics (formerly Invitae), Labcorp
Classification: Uncertain significance for Mitochondrial complex V (ATP synthase) deficiency, nuclear type 2. Last evaluated: 2021-11-03. Review status: criteria provided, single submitter. Criteria: Invitae Variant Classification Sherloc (09022015). Collection method: clinical testing. Allele origin: germline.
Comment: In summary, the available evidence is currently insufficient to determine the role of this variant in disease. Therefore, it has been classified as a Variant of Uncertain Significance. Algorithms developed to predict the effect of missense changes on protein structure and function are either unavailable or do not agree on the potential impact of this missense change (SIFT: "Deleterious"; PolyPhen-2: "Benign"; Align-GVGD: "Class C0"). This variant has not been reported in the literature in individuals affected with TMEM70-related conditions. This variant is present in population databases (no rsID available, gnomAD 0.002%). This sequence change replaces methionine, which is neutral and non-polar, with valine, which is neutral and non-polar, at codon 100 of the TMEM70 protein (p.Met100Val).